The following is an entry in ClinVar:

ClinVar aggregate classification (germline): Likely benign (1 of 4 stars; one submission).

gnomAD v4.1: 512 of 1,586,024 alleles (0.032%); highest among the groups gnomAD compares: South Asian, 0.36%; 7 homozygotes.

Submission:

CeGaT Center for Human Genetics Tuebingen
Classification: Likely benign. Last evaluated: 2026-02-01. Review status: criteria provided, single submitter. Criteria: CeGaT Center For Human Genetics Tuebingen Variant Classification Criteria Version 2. Collection method: clinical testing. Allele origin: germline. Affected: yes. Observed: 1 variant allele.
Comment: KRTAP5-10: BP4, BP7

NM_001012710.2(KRTAP5-10):c.78C>T (p.Ser26=)

Gene: KRTAP5-10 (keratin associated protein 5-10; plus strand). Cytogenetic location: 11q13.4.
Variant type: single nucleotide variant.
Coding change: c.78C>T on transcript NM_001012710.2 (MANE Select); coding-DNA position 78, C replaced by T.
Protein change: p.Ser26=; no amino-acid change (serine 26 retained).
Molecular consequence: synonymous variant.
Genome position (GRCh38, 1-based): chr11:71,565,665, C>T. VCF-style: chr11-71565665-C-T. GRCh37 (hg19) VCF-style: chr11-71276711-C-T.
Identifiers: ClinVar variation 4821366 (VCV004821366.4).